The following is an entry in ClinVar:

ClinVar aggregate classification (germline): Uncertain significance (1 of 4 stars; one submission).

Conditions:
Inborn genetic diseases. Identifiers: MedGen C0950123, MeSH D030342.

gnomAD v4.1: 1 of 1,571,180 alleles (0.000064%); highest among the groups gnomAD compares: Non-Finnish European, 0.000086%; no homozygotes.

Submission:

Ambry Genetics
Classification: Uncertain significance for Inborn genetic diseases. Last evaluated: 2026-04-12. Review status: criteria provided, single submitter. Criteria: Ambry Variant Classification Scheme 2023. Collection method: clinical testing. Allele origin: germline.
Comment: The p.P1202L variant (also known as c.3605C>T), located in coding exon 33 of the RTEL1 gene, results from a C to T substitution at nucleotide position 3605. The proline at codon 1202 is replaced by leucine, an amino acid with similar properties. This amino acid position is conserved. In addition, this alteration is predicted to be tolerated by in silico analysis. Based on the available evidence, the clinical significance of this variant remains unclear.

NM_001283009.2(RTEL1):c.3605C>T (p.Pro1202Leu)

Genes: RTEL1 (regulator of telomere elongation helicase 1; plus strand), RTEL1-TNFRSF6B (RTEL1-TNFRSF6B readthrough (NMD candidate); plus strand). Cytogenetic location: 20q13.33.
Variant type: single nucleotide variant.
Coding change: c.3605C>T on transcript NM_001283009.2 (MANE Select); coding-DNA position 3605, C replaced by T.
Protein change: p.Pro1202Leu; replaces proline 1202 with leucine.
Molecular consequence: missense variant. On other transcripts: non-coding transcript variant (1).
Genome position (GRCh38, 1-based): chr20:63,695,433, C>T. VCF-style: chr20-63695433-C-T. GRCh37 (hg19) VCF-style: chr20-62326786-C-T.
Other names: c.2936C>T, p.Pro979Leu (NM_001283010.1); c.3605C>T, p.Pro1202Leu (NM_016434.4); c.3677C>T, p.Pro1226Leu (NM_032957.5); short protein forms P1202L, P1226L, P979L.
Identifiers: ClinVar variation 4863551 (VCV004863551.1).